The following is an entry in ClinVar:

NM_000170.3(GLDC):c.294C>A (p.Asn98Lys)

Gene: GLDC (glycine decarboxylase; minus strand). Cytogenetic location: 9p24.1.
Variant type: single nucleotide variant.
Coding change: c.294C>A on transcript NM_000170.3 (MANE Select); coding-DNA position 294, C replaced by A.
Protein change: p.Asn98Lys; replaces asparagine 98 with lysine.
Molecular consequence: missense variant.
Genome position (GRCh38, 1-based): chr9:6,644,654, G>T on the plus strand (C>A on the coding strand, the complement: GLDC is on the minus strand). VCF-style: chr9-6644654-G-T. GRCh37 (hg19) VCF-style: chr9-6644654-G-T.
Other names: short protein forms N98K.
Identifiers: ClinVar variation 960424 (VCV000960424.14), dbSNP rs1819702080, ClinGen allele CA372885748.
Genomic context (GRCh38, chr9:6,644,654, plus strand): 5'-GAGCCCTCCCGGCCACTTACAAACAGGGTCTTCCATTTTCAAGGGTCTTTTCAAACGGAT[G>T]TTGGCAGGGACCGTCTTCTCGATCAATTCATCAATGCTCTAAAATTAAAACGCAAGGCAG-3'
Protein context (NP_000161.2, residues 88-108): DELIEKTVPA[Asn98Lys]IRLKRPLKME

ClinVar aggregate classification (germline): Uncertain significance. Review status: criteria provided, multiple submitters, no conflicts (2 of 4 stars). 3 submissions from 3 submitters: Uncertain significance (2). 1 of the submissions does not count toward it. Last evaluated 2023-10-03.

Conditions:
Glycine encephalopathy. Also called: Nonketotic hyperglycinemia; Non-ketotic hyperglycinemia. Identifiers: Orphanet 407, MedGen C0751748, MONDO:0011612, HP:0008288.

Submissions (3):

Labcorp Genetics (formerly Invitae), Labcorp
Classification: Uncertain significance for Glycine encephalopathy. Last evaluated: 2023-10-03. Review status: criteria provided, single submitter. Criteria: Invitae Variant Classification Sherloc (09022015). Collection method: clinical testing. Allele origin: germline.
Comment: This sequence change replaces asparagine, which is neutral and polar, with lysine, which is basic and polar, at codon 98 of the GLDC protein (p.Asn98Lys). This variant is not present in population databases (gnomAD no frequency). This variant has not been reported in the literature in individuals affected with GLDC-related conditions. ClinVar contains an entry for this variant (Variation ID: 960424). Advanced modeling of protein sequence and biophysical properties (such as structural, functional, and spatial information, amino acid conservation, physicochemical variation, residue mobility, and thermodynamic stability) performed at Invitae indicates that this missense variant is not expected to disrupt GLDC protein function. In summary, the available evidence is currently insufficient to determine the role of this variant in disease. Therefore, it has been classified as a Variant of Uncertain Significance.

GeneDx
Classification: Uncertain significance. Last evaluated: 2019-08-02. Review status: criteria provided, single submitter. Criteria: GeneDx Variant Classification Process June 2021. Collection method: clinical testing. Allele origin: germline. Affected: yes.
Comment: Not observed in large population cohorts (Lek et al., 2016); In silico analysis, which includes protein predictors and evolutionary conservation, supports that this variant does not alter protein structure/function; Has not been previously published as pathogenic or benign to our knowledge

Natera, Inc.
Classification: Uncertain significance for Non-ketotic hyperglycinemia. Last evaluated: 2020-08-05. Review status: no assertion criteria provided. Collection method: clinical testing. Allele origin: germline. Not counted in ClinVar's aggregate classification.